The following is an entry in ClinVar:

NM_000257.4(MYH7):c.3797C>A (p.Thr1266Asn)

Gene: MYH7 (myosin heavy chain 7; minus strand). Cytogenetic location: 14q11.2.
Variant type: single nucleotide variant.
Coding change: c.3797C>A on transcript NM_000257.4 (MANE Select); coding-DNA position 3797, C replaced by A.
Protein change: p.Thr1266Asn; replaces threonine 1266 with asparagine.
Molecular consequence: missense variant.
Genome position (GRCh38, 1-based): chr14:23,419,539, G>T on the plus strand (C>A on the coding strand, the complement: MYH7 is on the minus strand). VCF-style: chr14-23419539-G-T. GRCh37 (hg19) VCF-style: chr14-23888748-G-T.
Other names: c.3797C>A, p.Thr1266Asn (NM_001407004.1); short protein forms T1266N.
Identifiers: ClinVar variation 2196520 (VCV002196520.4), dbSNP rs753486249, ClinGen allele CA038945.

ClinVar aggregate classification (germline): Uncertain significance. Review status: criteria provided, multiple submitters, no conflicts (2 of 4 stars). 2 submissions from 2 submitters: Uncertain significance (2). Last evaluated 2025-02-05.

Conditions:
Hypertrophic cardiomyopathy. Also called: HYPERTROPHIC MYOCARDIOPATHY. Identifiers: Orphanet 217569, MedGen C0007194, MeSH D002312, MONDO:0005045, HP:0001639.

Allele frequency attached by ClinVar (database versions not stated): ExAC 0.00001.

Submissions (2):

Revvity Omics, Revvity
Classification: Uncertain significance. Last evaluated: 2025-02-05. Review status: criteria provided, single submitter. Criteria: ACMG Guidelines, 2015. Collection method: clinical testing. Allele origin: germline.

Labcorp Genetics (formerly Invitae), Labcorp
Classification: Uncertain significance for Hypertrophic cardiomyopathy. Last evaluated: 2024-05-04. Review status: criteria provided, single submitter. Criteria: Invitae Variant Classification Sherloc (09022015). Collection method: clinical testing. Allele origin: germline.
Comment: This sequence change replaces threonine, which is neutral and polar, with asparagine, which is neutral and polar, at codon 1266 of the MYH7 protein (p.Thr1266Asn). This variant is present in population databases (rs753486249, gnomAD 0.0009%). This variant has not been reported in the literature in individuals affected with MYH7-related conditions. ClinVar contains an entry for this variant (Variation ID: 2196520). Advanced modeling of protein sequence and biophysical properties (such as structural, functional, and spatial information, amino acid conservation, physicochemical variation, residue mobility, and thermodynamic stability) performed at Invitae indicates that this missense variant is not expected to disrupt MYH7 protein function with a negative predictive value of 95%. In summary, the available evidence is currently insufficient to determine the role of this variant in disease. Therefore, it has been classified as a Variant of Uncertain Significance.